The following is an entry in ClinVar:

ClinVar aggregate classification (germline): Uncertain significance. Review status: criteria provided, multiple submitters, no conflicts (2 of 4 stars). 2 submissions from 2 submitters: Uncertain significance (2). Last evaluated 2023-12-13.

Conditions:
Inborn genetic diseases. Identifiers: MedGen C0950123, MeSH D030342.

Allele frequency attached by ClinVar (database versions not stated): TOPMed below 0.00001; gnomAD exomes 0.00001.
gnomAD v4.1: 16 of 1,613,690 alleles (0.00099%); highest among the groups gnomAD compares: Non-Finnish European, 0.0014%; no homozygotes.

Submissions (2):

Labcorp Genetics (formerly Invitae), Labcorp
Classification: Uncertain significance. Last evaluated: 2023-12-13. Review status: criteria provided, single submitter. Criteria: Invitae Variant Classification Sherloc (09022015). Collection method: clinical testing. Allele origin: germline.
Comment: This sequence change replaces serine, which is neutral and polar, with glycine, which is neutral and non-polar, at codon 675 of the PNPLA8 protein (p.Ser675Gly). This variant is present in population databases (no rsID available, gnomAD 0.0009%). This variant has not been reported in the literature in individuals affected with PNPLA8-related conditions. ClinVar contains an entry for this variant (Variation ID: 2467763). An algorithm developed to predict the effect of missense changes on protein structure and function (PolyPhen-2) suggests that this variant is likely to be disruptive. In summary, the available evidence is currently insufficient to determine the role of this variant in disease. Therefore, it has been classified as a Variant of Uncertain Significance.

Ambry Genetics
Classification: Uncertain significance for Inborn genetic diseases. Last evaluated: 2023-02-16. Review status: criteria provided, single submitter. Criteria: Ambry Variant Classification Scheme 2023. Collection method: clinical testing. Allele origin: germline.

NM_001256007.3(PNPLA8):c.2023A>G (p.Ser675Gly)

Gene: PNPLA8 (patatin like domain 8, phospholipase A2; minus strand). Cytogenetic location: 7q31.1.
Variant type: single nucleotide variant.
Coding change: c.2023A>G on transcript NM_001256007.3 (MANE Select); coding-DNA position 2023, A replaced by G.
Protein change: p.Ser675Gly; replaces serine 675 with glycine.
Molecular consequence: missense variant.
Genome position (GRCh38, 1-based): chr7:108,479,235, T>C on the plus strand (A>G on the coding strand, the complement: PNPLA8 is on the minus strand). VCF-style: chr7-108479235-T-C. GRCh37 (hg19) VCF-style: chr7-108119679-T-C.
Other names: c.2023A>G, p.Ser675Gly (NM_001256008.3, NM_015723.5); c.1837A>G, p.Ser613Gly (NM_001256009.3); c.1723A>G, p.Ser575Gly (NM_001256010.3, NM_001256011.3); short protein forms S575G, S613G, S675G.
Identifiers: ClinVar variation 2467763 (VCV002467763.3), dbSNP rs1419378393, ClinGen allele CA368891969.